The following is an entry in ClinVar:

NM_001007527.2(LMBRD2):c.1385A>T (p.Tyr462Phe)

Gene: LMBRD2 (LMBR1 domain containing 2; minus strand). Cytogenetic location: 5p13.2.
Variant type: single nucleotide variant.
Coding change: c.1385A>T on transcript NM_001007527.2 (MANE Select); coding-DNA position 1385, A replaced by T.
Protein change: p.Tyr462Phe; replaces tyrosine 462 with phenylalanine.
Molecular consequence: missense variant.
Genome position (GRCh38, 1-based): chr5:36,116,511, T>A on the plus strand (A>T on the coding strand, the complement: LMBRD2 is on the minus strand). VCF-style: chr5-36116511-T-A. GRCh37 (hg19) VCF-style: chr5-36116613-T-A.
Other names: short protein forms Y462F.
Identifiers: ClinVar variation 2050195 (VCV002050195.4), dbSNP rs1404494184, ClinGen allele CA359444946.

ClinVar aggregate classification (germline): Uncertain significance (1 of 4 stars; one submission).

gnomAD v4.1: 3 of 1,612,862 alleles (0.00019%); highest among the groups gnomAD compares: Admixed American, 0.005%; no homozygotes.

Submission:

Labcorp Genetics (formerly Invitae), Labcorp
Classification: Uncertain significance. Last evaluated: 2021-12-20. Review status: criteria provided, single submitter. Criteria: Invitae Variant Classification Sherloc (09022015). Collection method: clinical testing. Allele origin: germline.
Comment: Algorithms developed to predict the effect of missense changes on protein structure and function are either unavailable or do not agree on the potential impact of this missense change (SIFT: "Deleterious"; PolyPhen-2: "Probably Damaging"; Align-GVGD: "Class C0"). In summary, the available evidence is currently insufficient to determine the role of this variant in disease. Therefore, it has been classified as a Variant of Uncertain Significance. This variant has not been reported in the literature in individuals affected with LMBRD2-related conditions. This variant is present in population databases (no rsID available, gnomAD 0.003%). This sequence change replaces tyrosine, which is neutral and polar, with phenylalanine, which is neutral and non-polar, at codon 462 of the LMBRD2 protein (p.Tyr462Phe).